The following is an entry in ClinVar:

ClinVar aggregate classification (germline): Conflicting classifications of pathogenicity. Review status: criteria provided, conflicting classifications (1 of 4 stars). 6 submissions from 6 submitters: Uncertain significance (5); Likely benign (1). Last evaluated 2025-07-12.

Conditions:
Cardiomyopathy (CMYO). Also called: Cardiomyopathies. Identifiers: Orphanet 167848, MedGen C0878544, MONDO:0004994, HP:0001638. Inheritance: Various modes of inheritance.
Auditory neuropathy, autosomal dominant 3 (AUNA3). Identifiers: MedGen C5676964, MONDO:0859235, OMIM 619832.
Emery-Dreifuss muscular dystrophy 7, autosomal dominant (EDMD7). Also called: Emery-Dreifuss muscular dystrophy 7, AD. Identifiers: Orphanet 261, MedGen C3553060, MONDO:0013677, OMIM 614302.
Arrhythmogenic right ventricular dysplasia 5. Also called: Arrhythmogenic Right Ventricular Dysplasia/Cardiomyopathy 5; ARRHYTHMOGENIC RIGHT VENTRICULAR DYSPLASIA, FAMILIAL, 5. Identifiers: MedGen C1858379, MONDO:0011459, OMIM 604400.
Cardiovascular phenotype. Identifiers: MedGen CN230736.

Allele frequency attached by ClinVar (database versions not stated): gnomAD 0.00001; ExAC 0.00002; gnomAD exomes 0.00002 and 0.00004; TOPMed 0.00002.
gnomAD v4.1: 14 of 1,614,080 alleles (0.00087%); highest among the groups gnomAD compares: Admixed American, 0.018%; no homozygotes.

Submissions (6):

Mayo Clinic Laboratories, Mayo Clinic
Classification: Uncertain significance. Last evaluated: 2025-07-12. Review status: criteria provided, single submitter. Criteria: ACMG Guidelines, 2015. Collection method: clinical testing. Allele origin: germline. Observed: 1 variant allele.
Comment: BP4_moderate

Labcorp Genetics (formerly Invitae), Labcorp
Classification: Uncertain significance for Arrhythmogenic right ventricular dysplasia 5. Last evaluated: 2025-06-11. Review status: criteria provided, single submitter. Criteria: Invitae Variant Classification Sherloc (09022015). Collection method: clinical testing. Allele origin: germline.
Comment: This sequence change replaces glycine, which is neutral and non-polar, with arginine, which is basic and polar, at codon 222 of the TMEM43 protein (p.Gly222Arg). This variant is present in population databases (rs746183974, gnomAD 0.02%). This missense change has been observed in individual(s) with clinical features of TMEM43-related conditions (internal data). ClinVar contains an entry for this variant (Variation ID: 642592). Invitae Evidence Modeling of protein sequence and biophysical properties (such as structural, functional, and spatial information, amino acid conservation, physicochemical variation, residue mobility, and thermodynamic stability) indicates that this missense variant is not expected to disrupt TMEM43 protein function with a negative predictive value of 80%. In summary, the available evidence is currently insufficient to determine the role of this variant in disease. Therefore, it has been classified as a Variant of Uncertain Significance.

Color Diagnostics, LLC DBA Color Health
Classification: Uncertain significance for Cardiomyopathy. Last evaluated: 2024-03-06. Review status: criteria provided, single submitter. Criteria: ACMG Guidelines, 2015. Collection method: clinical testing. Allele origin: germline.
Comment: This missense variant replaces glycine with arginine at codon 222 of the TMEM43 protein. Computational prediction suggests that this variant may not impact protein structure and function (internally defined REVEL score threshold <= 0.5, PMID: 27666373). To our knowledge, functional studies have not been reported for this variant. This variant has not been reported in individuals affected with TMEM43-related disorders in the literature. This variant has been identified in 9/251272 chromosomes in the general population by the Genome Aggregation Database (gnomAD). The available evidence is insufficient to determine the role of this variant in disease conclusively. Therefore, this variant is classified as a Variant of Uncertain Significance.

Ambry Genetics
Classification: Likely benign for Cardiovascular phenotype. Last evaluated: 2023-04-08. Review status: criteria provided, single submitter. Criteria: Ambry Variant Classification Scheme 2023. Collection method: clinical testing. Allele origin: germline.

All of Us Research Program, National Institutes of Health
Classification: Uncertain significance for Arrhythmogenic right ventricular dysplasia 5. Last evaluated: 2023-01-10. Review status: criteria provided, single submitter. Criteria: ACMG Guidelines, 2015. Collection method: clinical testing. Allele origin: germline. Inheritance: Autosomal dominant inheritance. Observed: 1 variant allele, 1 heterozygote.
Comment: This missense variant replaces glycine with arginine at codon 222 of the TMEM43 protein. Computational prediction suggests that this variant may not impact protein structure and function (internally defined REVEL score threshold <= 0.5, PMID: 27666373). Splice site prediction tools suggest that this variant may not impact RNA splicing. To our knowledge, functional studies have not been performed for this variant. This variant has not been reported in individuals affected with cardiovascular disorders in the literature. This variant has been identified in 9/251272 chromosomes in the general population by the Genome Aggregation Database (gnomAD). The available evidence is insufficient to determine the role of this variant in disease conclusively. Therefore, this variant is classified as a Variant of Uncertain Significance.

This study involves interpretation of variants in research participants for the purpose of population health screening. Participant phenotype was not available at the time of variant classification. Additional details can be found in publication PMID: 35346344, PMCID: PMC8962531

Fulgent Genetics
Classification: Uncertain significance for Arrhythmogenic right ventricular dysplasia 5; Emery-Dreifuss muscular dystrophy 7, autosomal dominant; Auditory neuropathy, autosomal dominant 3. Last evaluated: 2021-11-28. Review status: criteria provided, single submitter. Criteria: ACMG Guidelines, 2015. Collection method: clinical testing. Allele origin: unknown.

NM_024334.3(TMEM43):c.664G>A (p.Gly222Arg)

Gene: TMEM43 (transmembrane protein 43; plus strand). Cytogenetic location: 3p25.1.
Variant type: single nucleotide variant.
Coding change: c.664G>A on transcript NM_024334.3 (MANE Select); coding-DNA position 664, G replaced by A.
Protein change: p.Gly222Arg; replaces glycine 222 with arginine.
Molecular consequence: missense variant.
Genome position (GRCh38, 1-based): chr3:14,134,850, G>A. VCF-style: chr3-14134850-G-A. GRCh37 (hg19) VCF-style: chr3-14176350-G-A.
Other names: p.Gly222Arg; short protein forms G222R.
Identifiers: ClinVar variation 642592 (VCV000642592.18), dbSNP rs746183974, ClinGen allele CA054823.